The following is an entry in ClinVar:

ClinVar aggregate classification (germline): Pathogenic (1 of 4 stars; one submission).

Conditions:
Neurofibromatosis, type 1 (NF1). Also called: VON RECKLINGHAUSEN DISEASE; NEUROFIBROMATOSIS, TYPE I, SOMATIC; Neurofibromatosis, type I; Peripheral type neurofibromatosis. Identifiers: Orphanet 636, MedGen C0027831, MONDO:0018975, OMIM 162200. Disease mechanism: loss of function.

Submission:

Labcorp Genetics (formerly Invitae), Labcorp
Classification: Pathogenic for Neurofibromatosis, type 1. Last evaluated: 2021-08-13. Review status: criteria provided, single submitter. Criteria: Invitae Variant Classification Sherloc (09022015). Collection method: clinical testing. Allele origin: germline.
Comment: This sequence change creates a premature translational stop signal (p.Ser1422*) in the NF1 gene. It is expected to result in an absent or disrupted protein product. Loss-of-function variants in NF1 are known to be pathogenic (PMID: 10712197, 23913538). This variant is not present in population databases (ExAC no frequency). This premature translational stop signal has been observed in individual(s) with neurofibromatosis type 1 (PMID: 23668869, 25541118). For these reasons, this variant has been classified as Pathogenic.

Literature cited by the submitters: PubMed 10712197; PubMed 23913538; PubMed 23668869; PubMed 25541118.

NM_001042492.3(NF1):c.4328C>G (p.Ser1443Ter)

Gene: NF1 (neurofibromin 1; plus strand). Cytogenetic location: 17q11.2.
Variant type: single nucleotide variant.
Coding change: c.4328C>G on transcript NM_001042492.3 (MANE Select); coding-DNA position 4328, C replaced by G.
Protein change: p.Ser1443Ter; replaces serine 1443 with a stop codon.
Molecular consequence: nonsense.
Genome position (GRCh38, 1-based): chr17:31,258,498, C>G. VCF-style: chr17-31258498-C-G. GRCh37 (hg19) VCF-style: chr17-29585516-C-G.
Other names: c.4265C>G, p.Ser1422Ter (NM_000267.4); short protein forms S1422*, S1443*.
Identifiers: ClinVar variation 1428112 (VCV001428112.6), dbSNP rs1555618566, ClinGen allele CA398998170.